The following is an entry in ClinVar:

NM_021008.4(DEAF1):c.516A>C (p.Pro172=)

Gene: DEAF1 (DEAF1 transcription factor; minus strand). Cytogenetic location: 11p15.5.
Variant type: single nucleotide variant.
Coding change: c.516A>C on transcript NM_021008.4 (MANE Select); coding-DNA position 516, A replaced by C.
Protein change: p.Pro172=; no amino-acid change (proline 172 retained).
Molecular consequence: synonymous variant. On other transcripts: 5 prime UTR variant (1).
Genome position (GRCh38, 1-based): chr11:688,332, T>G on the plus strand (A>C on the coding strand, the complement: DEAF1 is on the minus strand). VCF-style: chr11-688332-T-G. GRCh37 (hg19) VCF-style: chr11-688332-T-G.
Other names: c.516A>C, p.Pro172= (NM_001293634.2); c.-211A>C (NM_001367390.1).
Identifiers: ClinVar variation 1341753 (VCV001341753.1), dbSNP rs1255534089, ClinGen allele CA472334259.

ClinVar aggregate classification (germline): Uncertain significance (1 of 4 stars; one submission).

Conditions:
Intellectual disability, autosomal dominant 24 (VSVS). Also called: VULTO-VAN SILFHOUT-DE VRIES SYNDROME. Identifiers: MedGen C4014414, MONDO:0014357, OMIM 615828.

Submission:

New York Genome Center
Classification: Uncertain significance for Intellectual disability, autosomal dominant 24. Last evaluated: 2021-01-09. Review status: criteria provided, single submitter. Criteria: NYGC Assertion Criteria 2020. Collection method: clinical testing. Allele origin: germline. Observed: 1 heterozygote. Study: CSER-NYCKidSeq.
Comment: The c.516A>C(p.Pro172=) synonymous variant in exon 3 of 12 of DEAF1 is in the vicinity of exon-intron boundary (splice region) and has not been reported in affected individuals in the available literature. This variant is absent in gnomADv3 and v.2.1.1 indicating it is not a common benign variant in the populations represented in this database. In silico predictions are conflicting on the effect of this variant on splicing (SpliceAI, low scores; TraP, high score-0.937). Given the lack of inheritance data and functional studies supporting its pathogenicity, the c.516A>C(p.Pro172=) variant identified in the DEAF1 gene is reported as a Variant of Uncertain Significance.